The following is an entry in ClinVar:

ClinVar aggregate classification (germline): Likely benign (1 of 4 stars; one submission).

gnomAD v4.1: 1 of 1,610,480 alleles (0.000062%); highest among the groups gnomAD compares: Non-Finnish European, 0.000085%; no homozygotes.

Submission:

Mayo Clinic Laboratories, Mayo Clinic
Classification: Likely benign. Last evaluated: 2025-10-15. Review status: criteria provided, single submitter. Criteria: ACMG Guidelines, 2015. Collection method: clinical testing. Allele origin: germline. Observed: 1 variant allele.
Comment: BP4, BP7

NM_001166114.2(PNPLA6):c.615G>A (p.Gln205=)

Gene: PNPLA6 (patatin like domain 6, lysophospholipase; plus strand). Cytogenetic location: 19p13.2.
Variant type: single nucleotide variant.
Coding change: c.615G>A on transcript NM_001166114.2 (MANE Select); coding-DNA position 615, G replaced by A.
Protein change: p.Gln205=; no amino-acid change (glutamine 205 retained).
Molecular consequence: synonymous variant.
Genome position (GRCh38, 1-based): chr19:7,540,209, G>A. VCF-style: chr19-7540209-G-A. GRCh37 (hg19) VCF-style: chr19-7605095-G-A.
Other names: p.Gln166=; c.642G>A, p.Gln214= (NM_001166111.2); c.498G>A, p.Gln166= (NM_001166112.2, NM_001166113.1, NM_006702.5).
Identifiers: ClinVar variation 4684301 (VCV004684301.1).